The following is an entry in ClinVar:

NM_001374385.1(ATP8B1):c.1735A>G (p.Ile579Val)

Gene: ATP8B1 (ATPase phospholipid transporting 8B1; minus strand). Cytogenetic location: 18q21.31.
Variant type: single nucleotide variant.
Coding change: c.1735A>G on transcript NM_001374385.1 (MANE Select); coding-DNA position 1735, A replaced by G.
Protein change: p.Ile579Val; replaces isoleucine 579 with valine.
Molecular consequence: missense variant.
Genome position (GRCh38, 1-based): chr18:57,674,918, T>C on the plus strand (A>G on the coding strand, the complement: ATP8B1 is on the minus strand). VCF-style: chr18-57674918-T-C. GRCh37 (hg19) VCF-style: chr18-55342150-T-C.
Other names: c.1585A>G, p.Ile529Val (NM_001374386.1); c.1735A>G, p.Ile579Val (NM_005603.6); short protein forms I529V, I579V.
Identifiers: ClinVar variation 3349065 (VCV003349065.1).

ClinVar aggregate classification (germline): Uncertain significance (0 of 4 stars; one submission).

Conditions:
ATP8B1-related disorder. Also called: ATP8B1-related condition; ATP8B1-related disorders.

gnomAD v4.1: 2 of 1,614,114 alleles (0.00012%); highest among the groups gnomAD compares: Non-Finnish European, 0.00017%; no homozygotes.

Submission:

PreventionGenetics, part of Exact Sciences
Classification: Uncertain significance for ATP8B1-related condition. Last evaluated: 2024-04-05. Review status: no assertion criteria provided. Collection method: clinical testing. Allele origin: germline.
Comment: The ATP8B1 c.1735A>G variant is predicted to result in the amino acid substitution p.Ile579Val. To our knowledge, this variant has not been reported in the literature or in a large population database, indicating this variant is rare. At this time, the clinical significance of this variant is uncertain due to the absence of conclusive functional and genetic evidence.